The following is an entry in ClinVar:

NM_002461.3(MVD):c.170G>C (p.Ser57Thr)

Gene: MVD (mevalonate diphosphate decarboxylase; minus strand). Cytogenetic location: 16q24.2.
Variant type: single nucleotide variant.
Coding change: c.170G>C on transcript NM_002461.3 (MANE Select); coding-DNA position 170, G replaced by C.
Protein change: p.Ser57Thr; replaces serine 57 with threonine.
Molecular consequence: missense variant.
Genome position (GRCh38, 1-based): chr16:88,658,001, C>G on the plus strand (G>C on the coding strand, the complement: MVD is on the minus strand). VCF-style: chr16-88658001-C-G. GRCh37 (hg19) VCF-style: chr16-88724409-C-G.
Other names: short protein forms S57T.
Identifiers: ClinVar variation 3250703 (VCV003250703.18), dbSNP rs773279830.

ClinVar aggregate classification (germline): Uncertain significance (1 of 4 stars; one submission).

Allele frequency attached by ClinVar (database versions not stated): TOPMed 0.00001; ExAC 0.00002; gnomAD 0.00003.
gnomAD v4.1: 33 of 1,613,972 alleles (0.002%); highest among the groups gnomAD compares: African/African-American, 0.0027%; no homozygotes.

Submission:

CeGaT Center for Human Genetics Tuebingen
Classification: Uncertain significance. Last evaluated: 2024-06-01. Review status: criteria provided, single submitter. Criteria: CeGaT Center For Human Genetics Tuebingen Variant Classification Criteria Version 2. Collection method: clinical testing. Allele origin: germline. Affected: yes. Observed: 1 variant allele.
Comment: MVD: PM2, BP4